The following is an entry in ClinVar:

NM_001256789.3(CACNA1F):c.1463+6G>A

Gene: CACNA1F (calcium voltage-gated channel subunit alpha1 F; minus strand). Cytogenetic location: Xp11.23.
Variant type: single nucleotide variant.
Coding change: c.1463+6G>A on transcript NM_001256789.3 (MANE Select); 6 bases into the intron after coding-DNA position 1463, G replaced by A.
Molecular consequence: intron variant.
Genome position (GRCh38, 1-based): chrX:49,226,403, C>T on the plus strand (G>A on the coding strand, the complement: CACNA1F is on the minus strand). VCF-style: chrX-49226403-C-T. GRCh37 (hg19) VCF-style: chrX-49082865-C-T.
Other names: c.1496+6G>A (NM_005183.4); c.1301+6G>A (NM_001256790.3).
Identifiers: ClinVar variation 4072279 (VCV004072279.1).
Genomic context (GRCh38, chrX:49,226,403, plus strand): 5'-AAAGAAAGGACTTGAGTCAGGGTTTGGACTGGCTTCTGGGCTGGGTCAGGGGCTGGGGGC[C>T]CTCACAGGCAGCGTGTACAGCTGGCCAGAGCCCCCTCCTCCTCATCCTCATCGCCTTGGG-3'

ClinVar aggregate classification (germline): Uncertain significance (1 of 4 stars; one submission).

Conditions:
X-linked cone-rod dystrophy 3 (CORDX3). Identifiers: Orphanet 1872, MedGen C1845407, MONDO:0010335, OMIM 300476.

Submission:

3billion
Classification: Uncertain significance for X-linked cone-rod dystrophy 3. Last evaluated: 2024-08-01. Review status: criteria provided, single submitter. Criteria: ACMG Guidelines, 2015. Collection method: clinical testing. Allele origin: germline. Affected: yes.
Comment: The variant is not observed in the gnomAD v4.0.0 dataset. Predicted Consequence/Location: Intron variant In silico tools predict the variant to alter splicing and produce an abnormal transcript [SpliceAI: 0.22 (>=0.2, moderate evidence for spliceogenicity)]. Therefore, this variant is classified as VUS according to the recommendation of ACMG/AMP guideline.